The following is an entry in ClinVar:

NM_001130144.3(LTBP3):c.1431C>A (p.Asp477Glu)

Gene: LTBP3 (latent transforming growth factor beta binding protein 3; minus strand). Cytogenetic location: 11q13.1.
Variant type: single nucleotide variant.
Coding change: c.1431C>A on transcript NM_001130144.3 (MANE Select); coding-DNA position 1431, C replaced by A.
Protein change: p.Asp477Glu; replaces aspartic acid 477 with glutamic acid.
Molecular consequence: missense variant.
Genome position (GRCh38, 1-based): chr11:65,552,072, G>T on the plus strand (C>A on the coding strand, the complement: LTBP3 is on the minus strand). VCF-style: chr11-65552072-G-T. GRCh37 (hg19) VCF-style: chr11-65319543-G-T.
Other names: c.1080C>A, p.Asp360Glu (NM_001164266.1); c.1431C>A, p.Asp477Glu (NM_021070.4); short protein forms D360E, D477E.
Identifiers: ClinVar variation 3233147 (VCV003233147.1), dbSNP rs2496169167, ClinGen allele CA381273352.

ClinVar aggregate classification (germline): Uncertain significance (1 of 4 stars; one submission).

Conditions:
Inborn genetic diseases. Identifiers: MedGen C0950123, MeSH D030342.

Submission:

Ambry Genetics
Classification: Uncertain significance for Inborn genetic diseases. Last evaluated: 2024-02-22. Review status: criteria provided, single submitter. Criteria: Ambry Variant Classification Scheme 2023. Collection method: clinical testing. Allele origin: germline.
Comment: The p.D477E variant (also known as c.1431C>A), located in coding exon 8 of the LTBP3 gene, results from a C to A substitution at nucleotide position 1431. The aspartic acid at codon 477 is replaced by glutamic acid, an amino acid with highly similar properties. This amino acid position is conserved. In addition, this alteration is predicted to be tolerated by in silico analysis. Based on the available evidence, the clinical significance of this alteration remains unclear.